The following is an entry in ClinVar:

NM_198253.3(TERT):c.3032+9C>G

Gene: TERT (telomerase reverse transcriptase; minus strand). Cytogenetic location: 5p15.33.
Variant type: single nucleotide variant.
Coding change: c.3032+9C>G on transcript NM_198253.3 (MANE Select); 9 bases into the intron after coding-DNA position 3032, C replaced by G.
Molecular consequence: intron variant.
Genome position (GRCh38, 1-based): chr5:1,258,589, G>C on the plus strand (C>G on the coding strand, the complement: TERT is on the minus strand). VCF-style: chr5-1258589-G-C. GRCh37 (hg19) VCF-style: chr5-1258704-G-C.
Other names: c.2843+9C>G (NM_001193376.3); c.3032+9C>G (NM_198253.2).
Identifiers: ClinVar variation 1083454 (VCV001083454.11), dbSNP rs1747926384, ClinGen allele CA2499217523.

ClinVar aggregate classification (germline): Likely benign. Review status: criteria provided, single submitter (1 of 4 stars). 2 submissions from 2 submitters: Likely benign (1). 1 of the submissions does not count toward it. Last evaluated 2023-10-10.

Conditions:
Dyskeratosis congenita, autosomal dominant 2. Identifiers: MedGen C3151443, MONDO:0013521, OMIM 613989.
Idiopathic Pulmonary Fibrosis. Also called: Idiopathic fibrosing alveolitis, chronic form; idiopathic fibrosing alveolitis. Identifiers: Orphanet 2032, MedGen C1800706, MeSH D054990, MONDO:0800504.
TERT-related disorder. Also called: TERT-related condition; TERT-related disorders.

Allele frequency attached by ClinVar (database versions not stated): gnomAD exomes below 0.00001.

Submissions (2):

Labcorp Genetics (formerly Invitae), Labcorp
Classification: Likely benign for Dyskeratosis congenita, autosomal dominant 2; Idiopathic Pulmonary Fibrosis. Last evaluated: 2023-10-10. Review status: criteria provided, single submitter. Criteria: Invitae Variant Classification Sherloc (09022015). Collection method: clinical testing. Allele origin: germline.

PreventionGenetics, part of Exact Sciences
Classification: Likely benign for TERT-related condition. Last evaluated: 2023-04-17. Review status: no assertion criteria provided. Collection method: clinical testing. Allele origin: germline. Not counted in ClinVar's aggregate classification.
Comment: This variant is classified as likely benign based on ACMG/AMP sequence variant interpretation guidelines (Richards et al. 2015 PMID: 25741868, with internal and published modifications).